The following is an entry in ClinVar:

ClinVar aggregate classification (germline): Uncertain significance. Review status: criteria provided, multiple submitters, no conflicts (2 of 4 stars). 4 submissions from 4 submitters: Uncertain significance (4). Last evaluated 2025-08-17.

Conditions:
Hereditary cancer-predisposing syndrome. Also called: Hereditary neoplastic syndrome; Neoplastic Syndromes, Hereditary; Tumor predisposition; Hereditary Cancer Syndrome. Identifiers: Orphanet 140162, MedGen C0027672, MeSH D009386, MONDO:0015356.
Fanconi anemia complementation group J. Also called: BRIP1-Related Fanconi Anemia. Identifiers: Orphanet 84, MedGen C1836860, MONDO:0012187, OMIM 609054.
Familial cancer of breast. Also called: BREAST CANCER, FAMILIAL; Hereditary breast cancer; hereditary breast carcinoma. Identifiers: Orphanet 227535, MedGen C0346153, MONDO:0016419, OMIM 114480. Disease mechanism: loss of function.

Allele frequency attached by ClinVar (database versions not stated): gnomAD exomes below 0.00001; TOPMed 0.00001.
gnomAD v4.1: 1 of 1,556,998 alleles (0.000064%); highest among the groups gnomAD compares: Admixed American, 0.0017%; no homozygotes.

Submissions (4):

Labcorp Genetics (formerly Invitae), Labcorp
Classification: Uncertain significance for Familial cancer of breast; Fanconi anemia complementation group J. Last evaluated: 2025-08-17. Review status: criteria provided, single submitter. Criteria: Invitae Variant Classification Sherloc (09022015). Collection method: clinical testing. Allele origin: germline.
Comment: This sequence change replaces valine, which is neutral and non-polar, with phenylalanine, which is neutral and non-polar, at codon 794 of the BRIP1 protein (p.Val794Phe). This variant is present in population databases (no rsID available, gnomAD 0.003%). This variant has not been reported in the literature in individuals affected with BRIP1-related conditions. ClinVar contains an entry for this variant (Variation ID: 483191). Invitae Evidence Modeling of protein sequence and biophysical properties (such as structural, functional, and spatial information, amino acid conservation, physicochemical variation, residue mobility, and thermodynamic stability) has been performed for this missense variant. However, the output from this modeling did not meet the statistical confidence thresholds required to predict the impact of this variant on BRIP1 protein function. RNA analysis performed to evaluate the impact of this missense change on mRNA splicing indicates it does not significantly alter splicing (internal data). In summary, the available evidence is currently insufficient to determine the role of this variant in disease. Therefore, it has been classified as a Variant of Uncertain Significance.

Ambry Genetics
Classification: Uncertain significance for Hereditary cancer-predisposing syndrome. Last evaluated: 2022-08-29. Review status: criteria provided, single submitter. Criteria: Ambry Variant Classification Scheme 2023. Collection method: clinical testing. Allele origin: germline.
Comment: The p.V794F variant (also known as c.2380G>T) is located in coding exon 16 of the BRIP1 gene. The valine at codon 794 is replaced by phenylalanine, an amino acid with highly similar properties. This change occurs in the first base pair of coding exon 16. This amino acid position is highly conserved in available vertebrate species. In addition, this alteration is predicted to be deleterious by in silico analysis. Since supporting evidence is limited at this time, the clinical significance of this alteration remains unclear.

Fulgent Genetics
Classification: Uncertain significance for Familial cancer of breast; Fanconi anemia complementation group J. Last evaluated: 2022-03-16. Review status: criteria provided, single submitter. Criteria: ACMG Guidelines, 2015. Collection method: clinical testing. Allele origin: unknown.

Color Diagnostics, LLC DBA Color Health
Classification: Uncertain significance for Hereditary cancer-predisposing syndrome. Last evaluated: 2019-04-25. Review status: criteria provided, single submitter. Criteria: ACMG Guidelines, 2015. Collection method: clinical testing. Allele origin: germline.

NM_032043.3(BRIP1):c.2380G>T (p.Val794Phe)

Gene: BRIP1 (BRCA1 interacting DNA helicase 1; minus strand). Cytogenetic location: 17q23.2.
Variant type: single nucleotide variant.
Coding change: c.2380G>T on transcript NM_032043.3 (MANE Select); coding-DNA position 2380, G replaced by T.
Protein change: p.Val794Phe; replaces valine 794 with phenylalanine.
Molecular consequence: missense variant.
Genome position (GRCh38, 1-based): chr17:61,716,063, C>A on the plus strand (G>T on the coding strand, the complement: BRIP1 is on the minus strand). VCF-style: chr17-61716063-C-A. GRCh37 (hg19) VCF-style: chr17-59793424-C-A.
Other names: short protein forms V794F.
Identifiers: ClinVar variation 483191 (VCV000483191.18), dbSNP rs1261005517, ClinGen allele CA400479861.
Genomic context (GRCh38, chr17:61,716,063, plus strand): 5'-GGCCAGGTAGAAGACCTCTCAATTTTGAATGGTGGTCATTGTATTGTCGTTTTAGTTCAA[C>A]CTAATAATTTTAAAATATATTTAAAAAATTAGTAGATAATTAAAGCTCATTTTAAACATC-3'
Protein context (NP_114432.2, residues 784-804): IPFPNVKDLQ[Val794Phe]ELKRQYNDHH